The following is an entry in ClinVar:

ClinVar aggregate classification (germline): Pathogenic (1 of 4 stars; one submission).

Conditions:
Familial cancer of breast. Also called: hereditary breast carcinoma; BREAST CANCER, FAMILIAL; Hereditary breast cancer. Identifiers: Orphanet 227535, MedGen C0346153, MONDO:0016419, OMIM 114480. Disease mechanism: loss of function.

Submission:

Labcorp Genetics (formerly Invitae), Labcorp
Classification: Pathogenic for Familial cancer of breast. Last evaluated: 2024-05-31. Review status: criteria provided, single submitter. Criteria: Invitae Variant Classification Sherloc (09022015). Collection method: clinical testing. Allele origin: germline.
Comment: This sequence change creates a premature translational stop signal (p.Asn352Metfs*13) in the CHEK2 gene. It is expected to result in an absent or disrupted protein product. Loss-of-function variants in CHEK2 are known to be pathogenic (PMID: 21876083, 24713400). This variant is not present in population databases (gnomAD no frequency). This variant has not been reported in the literature in individuals affected with CHEK2-related conditions. Algorithms developed to predict the effect of sequence changes on RNA splicing suggest that this variant may disrupt the consensus splice site. For these reasons, this variant has been classified as Pathogenic.

Literature cited by the submitters: PubMed 21876083; PubMed 24713400.

NM_007194.4(CHEK2):c.1055del (p.Asn352fs)

Gene: CHEK2 (checkpoint kinase 2; minus strand). Cytogenetic location: 22q12.1.
Variant type: Deletion.
Coding change: c.1055del on transcript NM_007194.4 (MANE Select); coding-DNA position 1055, one base deleted (A; older notation c.1055delA).
Protein change: p.Asn352fs; shifts the reading frame from asparagine 352.
Molecular consequence: frameshift variant. On other transcripts: intron variant (3).
Genome position (GRCh38, 1-based): chr22:28,696,941, T deleted on the plus strand (A on the coding strand, the reverse complement: CHEK2 is on the minus strand); the first of 2 consecutive T bases (chr22:28,696,941-28,696,942); deleting either gives the same sequence. VCF-style (leftmost placement, unchanged base first): chr22-28696940-AT-A. GRCh37 (hg19) VCF-style: chr22-29092928-AT-A.
Other names: c.1184del, p.Asn395fs (NM_001005735.3); c.392del, p.Asn131fs (NM_001257387.3, NM_001437942.1); c.854del, p.Asn285fs (NM_001349956.3); c.1148del, p.Asn383fs (NM_001438293.1); c.1009-1068del (NM_145862.3); c.1102-1068del (NM_001438295.1); c.1138-1068del (NM_001438294.1); short protein forms N285fs, N131fs, N352fs, N395fs, N383fs.
Identifiers: ClinVar variation 3655101 (VCV003655101.2).